The following is an entry in ClinVar:

NM_000020.3(ACVRL1):c.1027C>T (p.Gln343Ter)

Gene: ACVRL1 (activin A receptor like type 1; plus strand). Cytogenetic location: 12q13.13.
Variant type: single nucleotide variant.
Coding change: c.1027C>T on transcript NM_000020.3 (MANE Select); coding-DNA position 1027, C replaced by T.
Protein change: p.Gln343Ter; replaces glutamine 343 with a stop codon.
Molecular consequence: nonsense.
Genome position (GRCh38, 1-based): chr12:51,915,479, C>T. VCF-style: chr12-51915479-C-T. GRCh37 (hg19) VCF-style: chr12-52309263-C-T.
Other names: c.1027C>T, p.Gln343Ter (NM_001077401.2); short protein forms Q343*.
Identifiers: ClinVar variation 423613 (VCV000423613.10), dbSNP rs1064796530, ClinGen allele CA16619570.
Genomic context (GRCh38, chr12:51,915,479, plus strand): 5'-AAACCAGCCATTGCCCACCGCGACTTCAAGAGCCGCAATGTGCTGGTCAAGAGCAACCTG[C>T]AGTGTTGCATCGCCGACCTGGGTGAGCCGGGCGGGGCAGGGGCGCGCCCTTCACAGGTGG-3'

ClinVar aggregate classification (germline): Pathogenic. Review status: criteria provided, multiple submitters, no conflicts (2 of 4 stars). 4 submissions from 4 submitters: Pathogenic (3). 1 of the submissions does not count toward it. Last evaluated 2026-04-02.

Conditions:
Cardiovascular phenotype. Identifiers: MedGen CN230736.
Telangiectasia, hereditary hemorrhagic, type 2 (HHT2). Also called: ACVRL1-Related Hereditary Hemorrhagic Telangiectasia; Telangiectasia, hereditary hemorrhagic, type II. Identifiers: Orphanet 774, MedGen C1838163, MONDO:0010880, OMIM 600376. Disease mechanism: loss of function.

Submissions (4):

Institute of Medical Genetics and Applied Genomics, University Hospital Tübingen
Classification: Pathogenic for Telangiectasia, hereditary hemorrhagic, type 2. Last evaluated: 2026-04-02. Review status: criteria provided, single submitter. Criteria: ACMG Guidelines, 2015. Collection method: clinical testing. Allele origin: de novo. Inheritance: Autosomal dominant inheritance. Affected: yes.

GeneDx
Classification: Pathogenic. Last evaluated: 2025-06-30. Review status: criteria provided, single submitter. Criteria: GeneDx Variant Classification Process June 2021. Collection method: clinical testing. Allele origin: germline. Affected: yes.
Comment: Not observed at significant frequency in large population cohorts (gnomAD); Nonsense variant predicted to result in protein truncation or nonsense mediated decay in a gene for which loss of function is a known mechanism of disease; Identified in patients with HHT referred for genetic testing at GeneDx and in published literature (PMID: 27381467, 32503579); This variant is associated with the following publications: (PMID: 27535533, 27381467, 32503579)

Ambry Genetics
Classification: Pathogenic for Cardiovascular phenotype. Last evaluated: 2016-11-11. Review status: criteria provided, single submitter. Criteria: Ambry Variant Classification Scheme 2023. Collection method: clinical testing. Allele origin: germline.
Comment: The p.Q343* pathogenic mutation (also known as c.1027C>T), located in coding exon 6 of the ACVRL1 gene, results from a C to T substitution at nucleotide position 1027. This changes the amino acid from a glutamine to a stop codon within coding exon 6. This alteration is expected to result in loss of function by premature protein truncation or nonsense-mediated mRNA decay. As such, this alteration is interpreted as a disease-causing mutation.

Genetic Services Laboratory, University of Chicago
Classification: Benign. Last evaluated: 2017-08-18. Review status: flagged submission. Criteria: ACMG Guidelines, 2015. Collection method: clinical testing. Allele origin: germline. Affected: no. Not counted in ClinVar's aggregate classification.
ClinVar note: Reason: Claim with insufficient supporting evidence